The following continues an entry in ClinVar:

NM_001042492.3(NF1):c.2970_2972del (p.Met992del)

Gene: NF1. ClinVar aggregate classification (germline): Pathogenic/Likely pathogenic. Pathogenic (29); Likely pathogenic (2).

Submissions 29 to 35 of 35:

Laboratory for Molecular Medicine, Mass General Brigham Personalized Medicine
Classification: Pathogenic for Neurofibromatosis, type 1. Last evaluated: 2016-12-15. Review status: criteria provided, single submitter. Criteria: LMM Criteria. Collection method: clinical testing. Allele origin: germline. Inheritance: Autosomal dominant inheritance. Observed: 1 variant allele.
Comment: The p.Met992del variant in NF1 has been previously reported in >20 individuals w ith NF1, segregated with disease in >20 affected relatives, and was de novo in a t least 1 of these individuals (Upadhyaya 2007, Quintans 2011). Individuals with this variant were reported to not have cutaneous neurofibromas (Upadhyaya 2007, Quintans 2011). This variant has also been reported in ClinVar (Variation ID: 3 63) and has been identified in 1/66338 European chromosomes by the Exome Aggrega tion Consortium (ExAC). This variant is a deleti on of 1 amino acid at position 992 and is not predicted to alter the protein rea ding frame. In summary, this variant meets our criteria to be classified as path ogenic for NF1 in an autosomal dominant manner based upon frequency in probands and segregation studies.

Center for Human Genetics, Inc
Classification: Pathogenic for Neurofibromatosis, type 1. Last evaluated: 2016-11-01. Review status: criteria provided, single submitter. Criteria: ACMG Guidelines, 2015. Collection method: clinical testing. Allele origin: germline. Affected: yes.

Ambry Genetics
Classification: Pathogenic for Hereditary cancer-predisposing syndrome. Last evaluated: 2015-01-19. Review status: criteria provided, single submitter. Criteria: Ambry Autosomal Dominant and X-Linked criteria (10/2015). Collection method: clinical testing. Allele origin: germline. Observed: 1 variant allele.
Comment: Ã¢â‚¬â€¹The c.2970_2972delAAT pathogenic mutation (also known as p.M992del and delM992) is located in coding exon 22 of the NF1 gene. This alteration results from an in-frame AAT deletion between nucleotide positions 2970 and 2972. This results in the deletion of a highly conserved methionine residue at codon992. This alteration was first identified in two unrelated probands with paternally inherited neurofibromatosis type 1 (NF1) (Shen MH et al. Hum Mol Genet. 1993; 2(11):1861-4). Later studies suggest this mutation is associated with an attenuated form of NF1 similar to Legious syndrome; individuals with this mutation are not likely to develop neurofibromas (Upadhyaya M et al. Am J Hum Genet. 2007; 80(1):140-51). Based on the supporting evidence, c.2970_2972delAAT is interpreted as a disease-causing mutation.

Laboratory for Genotyping Development, RIKEN
Classification: Pathogenic for Gastric cancer. Last evaluated: 2021-07-01. Review status: no assertion criteria provided. Collection method: research. Allele origin: germline. Not counted in ClinVar's aggregate classification.

OMIM
Classification: Pathogenic for NEUROFIBROMATOSIS-NOONAN SYNDROME. Last evaluated: 2007-01-01. Review status: no assertion criteria provided. Collection method: literature only. Allele origin: germline. Not counted in ClinVar's aggregate classification.

OMIM
Classification: Pathogenic for WATSON SYNDROME. Last evaluated: 2007-01-01. Review status: no assertion criteria provided. Collection method: literature only. Allele origin: germline. Not counted in ClinVar's aggregate classification.

GeneReviews
No classification provided. Condition: Neurofibromatosis, type 1. Review status: no classification provided. Collection method: literature only. Allele origin: germline. Not counted in ClinVar's aggregate classification.

Literature cited by the submitters: PubMed 7904209 (cited by 5 submitters); PubMed 16542390 (cited by 5 submitters); PubMed 17160901 (cited by 9 submitters); PubMed 20602485 (cited by 4 submitters); PubMed 21532985 (cited by 6 submitters); PubMed 23047742 (cited by 4 submitters); PubMed 27838393 (cited by Ambry Genetics); PubMed 30190611 (cited by 11 submitters); PubMed 16380919 (cited by Myriad Genetics, Inc. and Athena Diagnostics); PubMed 26962827 (cited by Myriad Genetics, Inc.); PubMed 12807981 (cited by 4 submitters); PubMed 23656349 (cited by 3 submitters); PubMed 34897289 (cited by Dasa and Athena Diagnostics); PubMed 20301288 (cited by Dasa and New York Genome Center); PubMed 30308447 (cited by 3 submitters); PubMed 14569132 (cited by Athena Diagnostics and OMIM); PubMed 33911094 (cited by Athena Diagnostics); PubMed 33919865 (cited by Athena Diagnostics); PubMed 34694046 (cited by Athena Diagnostics); PubMed 31595648 (cited by Athena Diagnostics); PubMed 34427956 (cited by Athena Diagnostics); PubMed 38088145 (cited by Athena Diagnostics); PubMed 10678181 (cited by Women's Health and Genetics/Laboratory Corporation of America, LabCorp); PubMed 23460398 (cited by Women's Health and Genetics/Laboratory Corporation of America, LabCorp); PubMed 29872168 (cited by Women's Health and Genetics/Laboratory Corporation of America, LabCorp); PubMed 27069254 (cited by Women's Health and Genetics/Laboratory Corporation of America, LabCorp); PubMed 36988593 (cited by Laboratory for Genotyping Development, RIKEN); Carey, J. C., Stevenson, D. A., Ota, M., Neil, S., Viskochil, D. H. Is there an NF/Noonan syndrome: Part 2: documentation of the clinical and molecular aspects of an important family. Proc. Greenwood Genet. Center 17: 152-153, 1997. (cited by OMIM); PubMed 1568246 (cited by OMIM); NCBI Bookshelf NBK1109 (cited by GeneReviews).